The following is an entry in ClinVar:

NM_182961.4(SYNE1):c.5421+5A>T

Gene: SYNE1 (spectrin repeat containing nuclear envelope protein 1; minus strand). Cytogenetic location: 6q25.2.
Variant type: single nucleotide variant.
Coding change: c.5421+5A>T on transcript NM_182961.4 (MANE Select); 5 bases into the intron after coding-DNA position 5421, A replaced by T.
Molecular consequence: intron variant.
Genome position (GRCh38, 1-based): chr6:152,419,564, T>A on the plus strand (A>T on the coding strand, the complement: SYNE1 is on the minus strand). VCF-style: chr6-152419564-T-A. GRCh37 (hg19) VCF-style: chr6-152740699-T-A.
Other names: c.5442+5A>T (NM_033071.5, NM_033071.3).
Identifiers: ClinVar variation 1383987 (VCV001383987.7), dbSNP rs755875029, ClinGen allele CA4058302.

ClinVar aggregate classification (germline): Uncertain significance. Review status: criteria provided, multiple submitters, no conflicts (2 of 4 stars). 2 submissions from 2 submitters: Uncertain significance (2). Last evaluated 2023-09-01.

Conditions:
Emery-Dreifuss muscular dystrophy 4, autosomal dominant (EDMD4). Also called: EMERY-DREIFUSS MUSCULAR DYSTROPHY 4 WITH VARIABLE FEATURES. Identifiers: Orphanet 261, MedGen C2751807, MONDO:0013071, OMIM 612998.
Autosomal recessive ataxia, Beauce type. Also called: SYNE1-Related Autosomal Recessive Cerebellar Ataxia; Spinocerebellar ataxia, autosomal recessive 8; ATAXIA, RECESSIVE, OF BEAUCE; SYNE1 Deficiency. Identifiers: Orphanet 88644, MedGen C1853116, MONDO:0012549, OMIM 610743.

Allele frequency attached by ClinVar (database versions not stated): ExAC 0.00003; gnomAD 0.00001; gnomAD exomes 0.00002.
gnomAD v4.1: 30 of 1,609,632 alleles (0.0019%); highest among the groups gnomAD compares: South Asian, 0.027%; no homozygotes.

Submissions (2):

Revvity Omics, Revvity
Classification: Uncertain significance. Last evaluated: 2023-09-01. Review status: criteria provided, single submitter. Criteria: ACMG Guidelines, 2015. Collection method: clinical testing. Allele origin: germline.

Labcorp Genetics (formerly Invitae), Labcorp
Classification: Uncertain significance for Emery-Dreifuss muscular dystrophy 4, autosomal dominant; Autosomal recessive ataxia, Beauce type. Last evaluated: 2023-08-17. Review status: criteria provided, single submitter. Criteria: Invitae Variant Classification Sherloc (09022015). Collection method: clinical testing. Allele origin: germline.
Comment: This variant is present in population databases (rs755875029, gnomAD 0.02%). In summary, the available evidence is currently insufficient to determine the role of this variant in disease. Therefore, it has been classified as a Variant of Uncertain Significance. Variants that disrupt the consensus splice site are a relatively common cause of aberrant splicing (PMID: 17576681, 9536098). Algorithms developed to predict the effect of sequence changes on RNA splicing suggest that this variant may create or strengthen a splice site. ClinVar contains an entry for this variant (Variation ID: 1383987). This variant has not been reported in the literature in individuals affected with SYNE1-related conditions. This sequence change falls in intron 40 of the SYNE1 gene. It does not directly change the encoded amino acid sequence of the SYNE1 protein. It affects a nucleotide within the consensus splice site.

Literature cited by the submitters: PubMed 17576681 (cited by Labcorp Genetics (formerly Invitae), Labcorp); PubMed 9536098 (cited by Labcorp Genetics (formerly Invitae), Labcorp).